The following is an entry in ClinVar:

ClinVar aggregate classification (germline): Likely benign. Review status: criteria provided, multiple submitters, no conflicts (2 of 4 stars). 3 submissions from 3 submitters: Likely benign (3). Last evaluated 2025-11-12.

Conditions:
MYH6-related disorder. Also called: MYH6-Related Disorders; MYH6-related condition.
Hypertrophic cardiomyopathy 14. Identifiers: MedGen C2750467, MONDO:0013197, OMIM 613251.

Allele frequency attached by ClinVar (database versions not stated): gnomAD exomes 0.00003 and 0.00008; ExAC 0.00007; 1000 Genomes Project 30x 0.00016; TOPMed 0.00018; 1000 Genomes Project 0.00020; gnomAD 0.00023 and 0.00025; ESP Exome Variant Server 0.00038.

Submissions (3):

Labcorp Genetics (formerly Invitae), Labcorp
Classification: Likely benign for Hypertrophic cardiomyopathy 14. Last evaluated: 2025-11-12. Review status: criteria provided, single submitter. Criteria: Invitae Variant Classification Sherloc (09022015). Collection method: clinical testing. Allele origin: germline.

PreventionGenetics, part of Exact Sciences
Classification: Likely benign for MYH6-related condition. Last evaluated: 2025-03-28. Review status: criteria provided, single submitter. Criteria: ACMG Guidelines, 2015. Collection method: clinical testing. Allele origin: germline.
Comment: This variant is classified as likely benign based on ACMG/AMP sequence variant interpretation guidelines (Richards et al. 2015 PMID: 25741868, with internal and published modifications).

GeneDx
Classification: Likely benign. Last evaluated: 2017-12-01. Review status: criteria provided, single submitter. Criteria: GeneDx Variant Classification (06012015). Collection method: clinical testing. Allele origin: germline. Affected: yes.
Comment: This variant is considered likely benign or benign based on one or more of the following criteria: it is a conservative change, it occurs at a poorly conserved position in the protein, it is predicted to be benign by multiple in silico algorithms, and/or has population frequency not consistent with disease.

NM_002471.4(MYH6):c.2430-8C>G

Gene: MYH6 (myosin heavy chain 6; minus strand). Cytogenetic location: 14q11.2.
Variant type: single nucleotide variant.
Coding change: c.2430-8C>G on transcript NM_002471.4 (MANE Select); 8 bases into the intron before coding-DNA position 2430, C replaced by G.
Molecular consequence: intron variant.
Genome position (GRCh38, 1-based): chr14:23,394,331, G>C on the plus strand (C>G on the coding strand, the complement: MYH6 is on the minus strand). VCF-style: chr14-23394331-G-C. GRCh37 (hg19) VCF-style: chr14-23863540-G-C.
Identifiers: ClinVar variation 391888 (VCV000391888.12), dbSNP rs201624129, ClinGen allele CA7115453.
Genomic context (GRCh38, chr14:23,394,331, plus strand): 5'-TCTTGACCCCCATGAAGGCCCGAATGTTCCACTGGATTACCAGCAGGGCATCCCTGGCAA[G>C]GAAACGTGGAGGCAGGGTGGGGCACTATAAAAGAGAGCTTCCCAATCATGGGCCCTACTA-3'